The following is an entry in ClinVar:

NM_014633.5(CTR9):c.3238C>T (p.Arg1080Trp)

Gene: CTR9 (CTR9 component of Paf1/RNA polymerase II complex; plus strand). Cytogenetic location: 11p15.4.
Variant type: single nucleotide variant.
Coding change: c.3238C>T on transcript NM_014633.5 (MANE Select); coding-DNA position 3238, C replaced by T.
Protein change: p.Arg1080Trp; replaces arginine 1080 with tryptophan.
Molecular consequence: missense variant.
Genome position (GRCh38, 1-based): chr11:10,778,821, C>T. VCF-style: chr11-10778821-C-T. GRCh37 (hg19) VCF-style: chr11-10800368-C-T.
Other names: c.3166C>T, p.Arg1056Trp (NM_001346279.2); short protein forms R1056W, R1080W.
Identifiers: ClinVar variation 855730 (VCV000855730.7), dbSNP rs751972247, ClinGen allele CA5885549.

ClinVar aggregate classification (germline): Uncertain significance (1 of 4 stars; one submission).

Allele frequency attached by ClinVar (database versions not stated): ExAC 0.00001; gnomAD 0.00001; TOPMed 0.00001; gnomAD exomes 0.00002.

Submission:

Labcorp Genetics (formerly Invitae), Labcorp
Classification: Uncertain significance. Last evaluated: 2025-05-05. Review status: criteria provided, single submitter. Criteria: Invitae Variant Classification Sherloc (09022015). Collection method: clinical testing. Allele origin: germline.
Comment: This sequence change replaces arginine, which is basic and polar, with tryptophan, which is neutral and slightly polar, at codon 1080 of the CTR9 protein (p.Arg1080Trp). This variant is present in population databases (rs751972247, gnomAD 0.01%). This variant has not been reported in the literature in individuals affected with CTR9-related conditions. ClinVar contains an entry for this variant (Variation ID: 855730). An algorithm developed to predict the effect of missense changes on protein structure and function (PolyPhen-2) suggests that this variant is likely to be tolerated. In summary, the available evidence is currently insufficient to determine the role of this variant in disease. Therefore, it has been classified as a Variant of Uncertain Significance.